The following is an entry in ClinVar:

ClinVar aggregate classification (germline): Conflicting classifications of pathogenicity. Review status: criteria provided, conflicting classifications (1 of 4 stars). 4 submissions from 4 submitters: Likely pathogenic (3); Uncertain significance (1). Last evaluated 2025-10-21.

Conditions:
Alpha-N-acetylgalactosaminidase deficiency type 2. Also called: NAGA DEFICIENCY, TYPE II; SCHINDLER DISEASE, TYPE II; ALPHA-N-ACETYLGALACTOSAMINIDASE DEFICIENCY, TYPE II. Identifiers: Orphanet 3137, Orphanet 79280, MedGen C1836522, MONDO:0012222, OMIM 609242.
Alpha-N-acetylgalactosaminidase deficiency type 3. Also called: Schindler disease, type 3; ALPHA-N-ACETYLGALACTOSAMINIDASE DEFICIENCY, TYPE III; SCHINDLER DISEASE, TYPE III. Identifiers: Orphanet 79281, MedGen C5437471, MONDO:0019264.
Alpha-N-acetylgalactosaminidase deficiency type 1. Also called: NAGA DEFICIENCY, TYPE I; NEUROAXONAL DYSTROPHY, SCHINDLER TYPE; SCHINDLER DISEASE, TYPE I; ALPHA-N-ACETYLGALACTOSAMINIDASE DEFICIENCY, TYPE I. Identifiers: Orphanet 3137, Orphanet 79279, Orphanet 79281, MedGen C1836544, MONDO:0012221, OMIM 609241.

Allele frequency attached by ClinVar (database versions not stated): ExAC 0.00002; gnomAD exomes 0.00002 and 0.00008; gnomAD 0.00004 and 0.00005; TOPMed 0.00006; 1000 Genomes Project 30x 0.00016; 1000 Genomes Project 0.00020.
gnomAD v4.1: 119 of 1,611,712 alleles (0.0074%); highest among the groups gnomAD compares: Non-Finnish European, 0.009%; no homozygotes.

Submissions (4):

Otogenetics
Classification: Likely pathogenic for Alpha-N-acetylgalactosaminidase deficiency type 1; Alpha-N-acetylgalactosaminidase deficiency type 2; Alpha-N-acetylgalactosaminidase deficiency type 3. Last evaluated: 2025-10-21. Review status: criteria provided, single submitter. Criteria: ACMG Guidelines, 2015. Collection method: clinical testing. Allele origin: germline.
Comment: PVS1: Null variant in gene with loss of function as mechanism of disease occurring in canonical splice site, disrupting the reading frame and predicted to undergo NMD; PM2: Maximum gnomAD MAF of 0.004% in African (AFR) subpopulation (<0.05% threshold)

Fulgent Genetics
Classification: Likely pathogenic for Alpha-N-acetylgalactosaminidase deficiency type 1; Alpha-N-acetylgalactosaminidase deficiency type 2. Last evaluated: 2024-04-23. Review status: criteria provided, single submitter. Criteria: ACMG Guidelines, 2015. Collection method: clinical testing. Allele origin: germline.

Labcorp Genetics (formerly Invitae), Labcorp
Classification: Likely pathogenic for Alpha-N-acetylgalactosaminidase deficiency type 1. Last evaluated: 2024-03-20. Review status: criteria provided, single submitter. Criteria: Invitae Variant Classification Sherloc (09022015). Collection method: clinical testing. Allele origin: germline.
Comment: This sequence change affects a donor splice site in intron 3 of the NAGA gene. It is expected to disrupt RNA splicing. Variants that disrupt the donor or acceptor splice site typically lead to a loss of protein function (PMID: 16199547), and loss-of-function variants in NAGA are known to be pathogenic (PMID: 8782044, 11251574). This variant is present in population databases (rs140673721, gnomAD 0.004%). This variant has not been reported in the literature in individuals affected with NAGA-related conditions. ClinVar contains an entry for this variant (Variation ID: 566309). Algorithms developed to predict the effect of sequence changes on RNA splicing suggest that this variant may disrupt the consensus splice site. In summary, the currently available evidence indicates that the variant is pathogenic, but additional data are needed to prove that conclusively. Therefore, this variant has been classified as Likely Pathogenic.

Blueprint Genetics
Classification: Uncertain significance. Last evaluated: 2023-03-03. Review status: criteria provided, single submitter. Criteria: ACMG Guidelines, 2015. Collection method: clinical testing. Allele origin: germline.

Literature cited by the submitters: PubMed 16199547 (cited by Labcorp Genetics (formerly Invitae), Labcorp); PubMed 8782044 (cited by Labcorp Genetics (formerly Invitae), Labcorp); PubMed 11251574 (cited by Labcorp Genetics (formerly Invitae), Labcorp).

NM_000262.3(NAGA):c.324+1G>A

Genes: NAGA (alpha-N-acetylgalactosaminidase; minus strand), LOC126863160 (CDK7 strongly-dependent group 2 enhancer GRCh37_chr22:42462918-42464117; plus strand). Cytogenetic location: 22q13.2.
Variant type: single nucleotide variant.
Coding change: c.324+1G>A on transcript NM_000262.3 (MANE Select); the canonical splice donor site of the intron after coding-DNA position 324, G replaced by A.
Molecular consequence: splice donor variant.
Genome position (GRCh38, 1-based): chr22:42,067,764, C>T on the plus strand (G>A on the coding strand, the complement: NAGA is on the minus strand). VCF-style: chr22-42067764-C-T. GRCh37 (hg19) VCF-style: chr22-42463768-C-T.
Other names: c.324+1G>A (NM_001362850.1, NM_001362848.1).
Identifiers: ClinVar variation 566309 (VCV000566309.10), dbSNP rs140673721, ClinGen allele CA10263869.